The following is an entry in ClinVar:

NM_000051.4(ATM):c.5397T>G (p.Ser1799Arg)

Gene: ATM (ATM serine/threonine kinase; plus strand). Cytogenetic location: 11q22.3.
Variant type: single nucleotide variant.
Coding change: c.5397T>G on transcript NM_000051.4 (MANE Select); coding-DNA position 5397, T replaced by G.
Protein change: p.Ser1799Arg; replaces serine 1799 with arginine.
Molecular consequence: missense variant.
Genome position (GRCh38, 1-based): chr11:108,302,930, T>G. VCF-style: chr11-108302930-T-G. GRCh37 (hg19) VCF-style: chr11-108173657-T-G.
Other names: c.5397T>G, p.Ser1799Arg (NM_001351834.2); short protein forms S1799R.
Identifiers: ClinVar variation 4825539 (VCV004825539.1).

ClinVar aggregate classification (germline): Uncertain significance (1 of 4 stars; one submission).

Conditions:
Hereditary cancer-predisposing syndrome. Also called: Neoplastic Syndromes, Hereditary; Tumor predisposition; Hereditary Cancer Syndrome; Hereditary neoplastic syndrome. Identifiers: Orphanet 140162, MedGen C0027672, MeSH D009386, MONDO:0015356.

Submission:

Ambry Genetics
Classification: Uncertain significance for Hereditary cancer-predisposing syndrome. Last evaluated: 2026-02-19. Review status: criteria provided, single submitter. Criteria: Ambry Variant Classification Scheme 2023. Collection method: clinical testing. Allele origin: germline.
Comment: The p.S1799R variant (also known as c.5397T>G), located in coding exon 35 of the ATM gene, results from a T to G substitution at nucleotide position 5397. The serine at codon 1799 is replaced by arginine, an amino acid with dissimilar properties. This amino acid position is conserved. In addition, this alteration is predicted to be tolerated by in silico analysis. Based on the available evidence, the clinical significance of this variant remains unclear.